The following is an entry in ClinVar:

ClinVar aggregate classification (germline): Uncertain significance (1 of 4 stars; one submission).

Submission:

Dasa
Classification: Uncertain significance. Last evaluated: 2026-01-08. Review status: criteria provided, single submitter. Criteria: DASA Assertion Criteria. Collection method: clinical testing. Allele origin: germline.
Comment: NM_001379291.1(BRD4):c.305A>G (p.Lys102Arg) is a missense variant that results in the substitution of lysine with arginine. This variant is rare in population databases. The currently available literature and clinical evidence are not sufficient to establish a definitive association between this variant and the reported condition. Therefore, this variant is classified as a variant of uncertain significance.

NM_001379291.1(BRD4):c.305A>G (p.Lys102Arg)

Gene: BRD4 (bromodomain containing 4; minus strand). Cytogenetic location: 19p13.12.
Variant type: single nucleotide variant.
Coding change: c.305A>G on transcript NM_001379291.1 (MANE Select); coding-DNA position 305, A replaced by G.
Protein change: p.Lys102Arg; replaces lysine 102 with arginine.
Molecular consequence: missense variant.
Genome position (GRCh38, 1-based): chr19:15,269,023, T>C on the plus strand (A>G on the coding strand, the complement: BRD4 is on the minus strand). VCF-style: chr19-15269023-T-C. GRCh37 (hg19) VCF-style: chr19-15379834-T-C.
Other names: c.305A>G, p.Lys102Arg (NM_001330384.2, NM_001379292.1, NM_014299.3 and 1 more transcripts); short protein forms K102R.
Identifiers: ClinVar variation 5020740 (VCV005020740.1).